The following is an entry in ClinVar:

NM_006651.4(CPLX1):c.353A>G (p.Asp118Gly)

Gene: CPLX1 (complexin 1; minus strand). Cytogenetic location: 4p16.3.
Variant type: single nucleotide variant.
Coding change: c.353A>G on transcript NM_006651.4 (MANE Select); coding-DNA position 353, A replaced by G.
Protein change: p.Asp118Gly; replaces aspartic acid 118 with glycine.
Molecular consequence: missense variant.
Genome position (GRCh38, 1-based): chr4:786,553, T>C on the plus strand (A>G on the coding strand, the complement: CPLX1 is on the minus strand). VCF-style: chr4-786553-T-C. GRCh37 (hg19) VCF-style: chr4-780341-T-C.
Other names: short protein forms D118G.
Identifiers: ClinVar variation 2416656 (VCV002416656.2), dbSNP rs1314197033, ClinGen allele CA355921314.

ClinVar aggregate classification (germline): Uncertain significance (1 of 4 stars; one submission).

Allele frequency attached by ClinVar (database versions not stated): gnomAD exomes 0.00001.
gnomAD v4.1: 9 of 1,608,614 alleles (0.00056%); highest among the groups gnomAD compares: Admixed American, 0.013%; no homozygotes.

Submission:

Labcorp Genetics (formerly Invitae), Labcorp
Classification: Uncertain significance. Last evaluated: 2022-08-07. Review status: criteria provided, single submitter. Criteria: Invitae Variant Classification Sherloc (09022015). Collection method: clinical testing. Allele origin: germline.
Comment: This sequence change replaces aspartic acid, which is acidic and polar, with glycine, which is neutral and non-polar, at codon 118 of the CPLX1 protein (p.Asp118Gly). This variant is present in population databases (no rsID available, gnomAD 0.02%). This variant has not been reported in the literature in individuals affected with CPLX1-related conditions. Algorithms developed to predict the effect of missense changes on protein structure and function are either unavailable or do not agree on the potential impact of this missense change (SIFT: "Deleterious"; PolyPhen-2: "Probably Damaging"; Align-GVGD: "Class C0"). In summary, the available evidence is currently insufficient to determine the role of this variant in disease. Therefore, it has been classified as a Variant of Uncertain Significance.